The following is an entry in ClinVar:

NM_020812.4(DOCK6):c.5832+5G>A

Gene: DOCK6 (dedicator of cytokinesis 6; minus strand). Cytogenetic location: 19p13.2.
Variant type: single nucleotide variant.
Coding change: c.5832+5G>A on transcript NM_020812.4 (MANE Select); 5 bases into the intron after coding-DNA position 5832, G replaced by A.
Molecular consequence: intron variant.
Genome position (GRCh38, 1-based): chr19:11,200,904, C>T on the plus strand (G>A on the coding strand, the complement: DOCK6 is on the minus strand). VCF-style: chr19-11200904-C-T. GRCh37 (hg19) VCF-style: chr19-11311580-C-T.
Other names: c.5937+5G>A (NM_001367830.1); c.5832+5G>A (NM_020812.3).
Identifiers: ClinVar variation 1303926 (VCV001303926.4), dbSNP rs181867999, ClinGen allele CA9206335.

ClinVar aggregate classification (germline): Uncertain significance. Review status: criteria provided, single submitter (1 of 4 stars). 2 submissions from 2 submitters: Uncertain significance (1). 1 of the submissions does not count toward it. Last evaluated 2019-03-15.

Conditions:
DOCK6-related disorder. Also called: DOCK6-related condition.

Allele frequency attached by ClinVar (database versions not stated): ExAC 0.00007; TOPMed 0.00015; gnomAD 0.00019; 1000 Genomes Project 0.00020; ESP Exome Variant Server 0.00024; 1000 Genomes Project 30x 0.00031.
gnomAD v4.1: 75 of 1,613,866 alleles (0.0046%); highest among the groups gnomAD compares: African/African-American, 0.059%; no homozygotes.

Submissions (2):

GeneDx
Classification: Uncertain significance. Last evaluated: 2019-03-15. Review status: criteria provided, single submitter. Criteria: GeneDx Variant Classification Process June 2021. Collection method: clinical testing. Allele origin: germline. Affected: yes.
Comment: Has not been previously published as pathogenic or benign to our knowledge; In-silico analysis, which includes splice predictors and evolutionary conservation, is inconclusive as to whether the variant alters gene splicing. In the absence of RNA/functional studies, the actual effect of this sequence change is unknown.

PreventionGenetics, part of Exact Sciences
Classification: Likely benign for DOCK6-related condition. Last evaluated: 2024-09-10. Review status: no assertion criteria provided. Collection method: clinical testing. Allele origin: germline. Not counted in ClinVar's aggregate classification.
Comment: This variant is classified as likely benign based on ACMG/AMP sequence variant interpretation guidelines (Richards et al. 2015 PMID: 25741868, with internal and published modifications).